The following is an entry in ClinVar:

ClinVar aggregate classification (germline): Uncertain significance (0 of 4 stars; one submission).

Conditions:
MYO5B-related disorder. Also called: MYO5B-related condition.

Submission:

PreventionGenetics, part of Exact Sciences
Classification: Uncertain significance for MYO5B-related condition. Last evaluated: 2024-05-13. Review status: no assertion criteria provided. Collection method: clinical testing. Allele origin: germline.
Comment: The MYO5B c.364G>A variant is predicted to result in the amino acid substitution p.Asp122Asn. To our knowledge, this variant has not been reported in the literature or in a large population database, indicating this variant is rare. At this time, the clinical significance of this variant is uncertain due to the absence of conclusive functional and genetic evidence.

NM_001080467.3(MYO5B):c.364G>A (p.Asp122Asn)

Gene: MYO5B (myosin VB; minus strand). Cytogenetic location: 18q21.1.
Variant type: single nucleotide variant.
Coding change: c.364G>A on transcript NM_001080467.3 (MANE Select); coding-DNA position 364, G replaced by A.
Protein change: p.Asp122Asn; replaces aspartic acid 122 with asparagine.
Molecular consequence: missense variant.
Genome position (GRCh38, 1-based): chr18:50,036,941, C>T on the plus strand (G>A on the coding strand, the complement: MYO5B is on the minus strand). VCF-style: chr18-50036941-C-T. GRCh37 (hg19) VCF-style: chr18-47563311-C-T.
Other names: short protein forms D122N.
Identifiers: ClinVar variation 3344681 (VCV003344681.1).